The following is an entry in ClinVar:

NM_020937.4(FANCM):c.1102T>C (p.Tyr368His)

Gene: FANCM (FA complementation group M; plus strand). Cytogenetic location: 14q21.2.
Variant type: single nucleotide variant.
Coding change: c.1102T>C on transcript NM_020937.4 (MANE Select); coding-DNA position 1102, T replaced by C.
Protein change: p.Tyr368His; replaces tyrosine 368 with histidine.
Molecular consequence: missense variant.
Genome position (GRCh38, 1-based): chr14:45,153,971, T>C. VCF-style: chr14-45153971-T-C. GRCh37 (hg19) VCF-style: chr14-45623174-T-C.
Other names: c.1024T>C, p.Tyr342His (NM_001308133.2); c.1102T>C, p.Tyr368His (NM_001308134.2); short protein forms Y368H, Y342H.
Identifiers: ClinVar variation 3572279 (VCV003572279.1).

ClinVar aggregate classification (germline): Uncertain significance (1 of 4 stars; one submission).

Submission:

Quest Diagnostics Nichols Institute San Juan Capistrano
Classification: Uncertain significance. Last evaluated: 2024-02-01. Review status: criteria provided, single submitter. Criteria: Quest Diagnostics criteria. Collection method: clinical testing. Allele origin: unknown.
Comment: The FANCM c.1102T>C (p.Tyr368His) variant has not been reported in individuals with FANCM-related conditions in the published literature. It also has not been reported in large, multi-ethnic general populations (Genome Aggregation Database). Analysis of this variant using bioinformatics tools for the prediction of the effect of amino acid changes on protein structure and function yielded conflicting predictions that this variant is benign or damaging. Based on the available information, we are unable to determine the clinical significance of this variant.